The following is an entry in ClinVar:

NM_000051.4(ATM):c.8460C>A (p.Phe2820Leu)

Genes: ATM (ATM serine/threonine kinase; plus strand), C11orf65 (chromosome 11 open reading frame 65; minus strand). Cytogenetic location: 11q22.3.
Variant type: single nucleotide variant.
Coding change: c.8460C>A on transcript NM_000051.4 (MANE Select); coding-DNA position 8460, C replaced by A.
Protein change: p.Phe2820Leu; replaces phenylalanine 2820 with leucine.
Molecular consequence: missense variant. On other transcripts: intron variant (2).
Genome position (GRCh38, 1-based): chr11:108,345,784, C>A. VCF-style: chr11-108345784-C-A. GRCh37 (hg19) VCF-style: chr11-108216511-C-A.
Other names: c.695-10492G>T (NM_001351110.2); c.8460C>A, p.Phe2820Leu (NM_001351834.2); c.641-36713G>T (NM_001330368.2); short protein forms F2820L.
Identifiers: ClinVar variation 1374238 (VCV001374238.8), dbSNP rs2137027437, ClinGen allele CA382517941.

ClinVar aggregate classification (germline): Uncertain significance (1 of 4 stars; one submission).

Conditions:
Ataxia-telangiectasia syndrome (AT). Also called: Ataxia-telangiectasia; LOUIS-BAR SYNDROME; Ataxia-telangiectasia, complementation group D; AT, COMPLEMENTATION GROUP C; ATAXIA-TELANGIECTASIA, COMPLEMENTATION GROUP A; ATAXIA-TELANGIECTASIA, FRESNO VARIANT. Identifiers: Orphanet 100, MedGen C0004135, MONDO:0008840, OMIM 208900.

Submission:

Labcorp Genetics (formerly Invitae), Labcorp
Classification: Uncertain significance for Ataxia-telangiectasia syndrome. Last evaluated: 2021-02-19. Review status: criteria provided, single submitter. Criteria: Invitae Variant Classification Sherloc (09022015). Collection method: clinical testing. Allele origin: germline.
Comment: This sequence change replaces phenylalanine with leucine at codon 2820 of the ATM protein (p.Phe2820Leu). The phenylalanine residue is highly conserved and there is a small physicochemical difference between phenylalanine and leucine. This variant is not present in population databases (ExAC no frequency). This variant has not been reported in the literature in individuals with ATM-related conditions. Algorithms developed to predict the effect of missense changes on protein structure and function are either unavailable or do not agree on the potential impact of this missense change (SIFT: "Deleterious"; PolyPhen-2: "Probably Damaging"; Align-GVGD: "Class C15"). In summary, the available evidence is currently insufficient to determine the role of this variant in disease. Therefore, it has been classified as a Variant of Uncertain Significance.